The following is an entry in ClinVar:

NM_033100.4(CDHR1):c.1753A>G (p.Met585Val)

Gene: CDHR1 (cadherin related family member 1; plus strand). Cytogenetic location: 10q23.1.
Variant type: single nucleotide variant.
Coding change: c.1753A>G on transcript NM_033100.4 (MANE Select); coding-DNA position 1753, A replaced by G.
Protein change: p.Met585Val; replaces methionine 585 with valine.
Molecular consequence: missense variant.
Genome position (GRCh38, 1-based): chr10:84,212,378, A>G. VCF-style: chr10-84212378-A-G. GRCh37 (hg19) VCF-style: chr10-85972134-A-G.
Other names: c.1753A>G, p.Met585Val (NM_001171971.3); short protein forms M585V.
Identifiers: ClinVar variation 1952647 (VCV001952647.5), dbSNP rs2492539609, ClinGen allele CA377378168.

ClinVar aggregate classification (germline): Uncertain significance (1 of 4 stars; one submission).

Submission:

Labcorp Genetics (formerly Invitae), Labcorp
Classification: Uncertain significance. Last evaluated: 2024-11-11. Review status: criteria provided, single submitter. Criteria: Invitae Variant Classification Sherloc (09022015). Collection method: clinical testing. Allele origin: germline.
Comment: This sequence change replaces methionine, which is neutral and non-polar, with valine, which is neutral and non-polar, at codon 585 of the CDHR1 protein (p.Met585Val). This variant is not present in population databases (gnomAD no frequency). This variant has not been reported in the literature in individuals affected with CDHR1-related conditions. ClinVar contains an entry for this variant (Variation ID: 1952647). Invitae Evidence Modeling of protein sequence and biophysical properties (such as structural, functional, and spatial information, amino acid conservation, physicochemical variation, residue mobility, and thermodynamic stability) indicates that this missense variant is not expected to disrupt CDHR1 protein function with a negative predictive value of 80%. In summary, the available evidence is currently insufficient to determine the role of this variant in disease. Therefore, it has been classified as a Variant of Uncertain Significance.